The following is an entry in ClinVar:

NM_014991.6(WDFY3):c.533C>A (p.Pro178His)

Gene: WDFY3 (WD repeat and FYVE domain containing 3; minus strand). Cytogenetic location: 4q21.23.
Variant type: single nucleotide variant.
Coding change: c.533C>A on transcript NM_014991.6 (MANE Select); coding-DNA position 533, C replaced by A.
Protein change: p.Pro178His; replaces proline 178 with histidine.
Molecular consequence: missense variant.
Genome position (GRCh38, 1-based): chr4:84,836,972, G>T on the plus strand (C>A on the coding strand, the complement: WDFY3 is on the minus strand). VCF-style: chr4-84836972-G-T. GRCh37 (hg19) VCF-style: chr4-85758125-G-T.
Other names: short protein forms P178H.
Identifiers: ClinVar variation 3361763 (VCV003361763.2).

ClinVar aggregate classification (germline): Uncertain significance (1 of 4 stars; one submission).

gnomAD v4.1: 1 of 1,592,430 alleles (0.000063%); highest among the groups gnomAD compares: African/African-American, 0.0013%; no homozygotes.

Submission:

GeneDx
Classification: Uncertain significance. Last evaluated: 2025-12-07. Review status: criteria provided, single submitter. Criteria: GeneDx Variant Classification Process June 2021. Collection method: clinical testing. Allele origin: germline.
Comment: Has not been previously published as pathogenic or benign to our knowledge; Not observed at significant frequency in large population cohorts (gnomAD); In silico analysis suggests that this missense variant does not alter protein structure/function